The following is an entry in ClinVar:

NM_003036.4(SKI):c.2154G>T (p.Ala718=)

Gene: SKI (SKI proto-oncogene; plus strand). Cytogenetic location: 1p36.32.
Variant type: single nucleotide variant.
Coding change: c.2154G>T on transcript NM_003036.4 (MANE Select); coding-DNA position 2154, G replaced by T.
Protein change: p.Ala718=; no amino-acid change (alanine 718 retained).
Molecular consequence: synonymous variant.
Genome position (GRCh38, 1-based): chr1:2,306,732, G>T. VCF-style: chr1-2306732-G-T. GRCh37 (hg19) VCF-style: chr1-2238171-G-T.
Identifiers: ClinVar variation 681385 (VCV000681385.7), dbSNP rs778456446, ClinGen allele CA536855.

ClinVar aggregate classification (germline): Likely benign. Review status: criteria provided, multiple submitters, no conflicts (2 of 4 stars). 3 submissions from 3 submitters: Likely benign (3). Last evaluated 2025-12-15.

Conditions:
Familial thoracic aortic aneurysm and aortic dissection (TAAD). Also called: Thoracic aortic aneurysms and dissections. Identifiers: Orphanet 91387, MedGen C4707243, MONDO:0019625.
Shprintzen-Goldberg syndrome (SGS). Also called: Marfanoid disorder with craniosynostosis type 1; Marfanoid craniosynostosis syndrome; Shprintzen-Goldberg marfanoid syndrome; SHPRINTZEN-GOLDBERG CRANIOSYNOSTOSIS SYNDROME; CRANIOSYNOSTOSIS WITH ARACHNODACTYLY AND ABDOMINAL HERNIAS. Identifiers: Orphanet 2462, MedGen C1321551, MONDO:0008426, OMIM 182212.

Allele frequency attached by ClinVar (database versions not stated): gnomAD 0.00002 and 0.00003; ExAC 0.00009; TOPMed 0.00004.
gnomAD v4.1: 24 of 1,530,422 alleles (0.0016%); highest among the groups gnomAD compares: African/African-American, 0.0042%; no homozygotes.

Submissions (3):

Labcorp Genetics (formerly Invitae), Labcorp
Classification: Likely benign for Shprintzen-Goldberg syndrome. Last evaluated: 2025-12-15. Review status: criteria provided, single submitter. Criteria: Invitae Variant Classification Sherloc (09022015). Collection method: clinical testing. Allele origin: germline.

Ambry Genetics
Classification: Likely benign for Familial thoracic aortic aneurysm and aortic dissection. Last evaluated: 2022-04-03. Review status: criteria provided, single submitter. Criteria: Ambry Variant Classification Scheme 2023. Collection method: clinical testing. Allele origin: germline.

GeneDx
Classification: Likely benign. Last evaluated: 2018-03-29. Review status: criteria provided, single submitter. Criteria: GeneDx Variant Classification (06012015). Collection method: clinical testing. Allele origin: germline. Affected: yes.
Comment: This variant is considered likely benign or benign based on one or more of the following criteria: it is a conservative change, it occurs at a poorly conserved position in the protein, it is predicted to be benign by multiple in silico algorithms, and/or has population frequency not consistent with disease.